The following is an entry in ClinVar:

ClinVar aggregate classification (germline): Likely benign. Review status: criteria provided, multiple submitters, no conflicts (2 of 4 stars). 2 submissions from 2 submitters: Likely benign (2). Last evaluated 2024-08-30.

Allele frequency attached by ClinVar (database versions not stated): ExAC 0.00001; gnomAD 0.00001; TOPMed 0.00001; gnomAD exomes 0.00002.
gnomAD v4.1: 32 of 1,601,962 alleles (0.002%); highest among the groups gnomAD compares: Non-Finnish European, 0.0027%; no homozygotes.

Submissions (2):

Labcorp Genetics (formerly Invitae), Labcorp
Classification: Likely benign. Last evaluated: 2024-08-30. Review status: criteria provided, single submitter. Criteria: Invitae Variant Classification Sherloc (09022015). Collection method: clinical testing. Allele origin: germline.

GeneDx
Classification: Likely benign. Last evaluated: 2017-10-12. Review status: criteria provided, single submitter. Criteria: GeneDx Variant Classification (06012015). Collection method: clinical testing. Allele origin: germline. Affected: yes.
Comment: This variant is considered likely benign or benign based on one or more of the following criteria: it is a conservative change, it occurs at a poorly conserved position in the protein, it is predicted to be benign by multiple in silico algorithms, and/or has population frequency not consistent with disease.

NM_024120.5(NDUFAF5):c.862+15C>T

Gene: NDUFAF5 (NADH:ubiquinone oxidoreductase complex assembly factor 5; plus strand). Cytogenetic location: 20p12.1.
Variant type: single nucleotide variant.
Coding change: c.862+15C>T on transcript NM_024120.5 (MANE Select); 15 bases into the intron after coding-DNA position 862, C replaced by T.
Molecular consequence: intron variant.
Genome position (GRCh38, 1-based): chr20:13,816,561, C>T. VCF-style: chr20-13816561-C-T. GRCh37 (hg19) VCF-style: chr20-13797207-C-T.
Other names: c.301+15C>T (NM_001352407.2, NM_001352406.2); c.778+15C>T (NM_001039375.3); c.391+15C>T (NM_001352403.2).
Identifiers: ClinVar variation 512294 (VCV000512294.4), dbSNP rs757382811, ClinGen allele CA9767907.